The following is an entry in ClinVar:

ClinVar aggregate classification (germline): Uncertain significance. Review status: reviewed by expert panel (3 of 4 stars). 35 submissions from 35 submitters: Uncertain significance (1). 34 of the submissions do not count toward it. Last evaluated 2022-03-09.

Conditions:
ATM-related cancer predisposition. Also called: ATM-related cancer susceptibility. Identifiers: MedGen CN377759, MONDO:0700270.
ATM-related disorder. Also called: ATM-related disorders; ATM-related condition.
Breast and/or ovarian cancer. Identifiers: MedGen CN221562.
Hereditary cancer-predisposing syndrome. Also called: Neoplastic Syndromes, Hereditary; Hereditary Cancer Syndrome; Tumor predisposition; Hereditary neoplastic syndrome. Identifiers: Orphanet 140162, MedGen C0027672, MeSH D009386, MONDO:0015356.
Familial cancer of breast. Also called: BREAST CANCER, FAMILIAL; hereditary breast carcinoma; Hereditary breast cancer. Identifiers: Orphanet 227535, MedGen C0346153, MONDO:0016419, OMIM 114480. Disease mechanism: loss of function.
Ataxia-telangiectasia syndrome (AT). Also called: Ataxia-telangiectasia, complementation group D; AT, COMPLEMENTATION GROUP C; Ataxia-telangiectasia; ATAXIA-TELANGIECTASIA, COMPLEMENTATION GROUP A; ATAXIA-TELANGIECTASIA, FRESNO VARIANT; Ataxia-telangiectasia, complementation group E. Identifiers: Orphanet 100, MedGen C0004135, MONDO:0008840, OMIM 208900.
Hereditary breast ovarian cancer syndrome. Also called: BRCA1- and BRCA2-Associated Hereditary Breast and Ovarian Cancer; Hereditary breast and ovarian cancer syndrome; Hereditary breast and ovarian cancer syndrome (HBOC); Hereditary breast and/or ovarian cancer syndrome; Hereditary breast and ovarian cancer; Breast and ovarian cancer. Identifiers: Orphanet 145, MedGen C0677776, MeSH D061325, MONDO:0003582. Disease mechanism: loss of function.
Malignant tumor of breast. Also called: Malignant breast neoplasm; Cancer breast. Identifiers: MedGen C0006142, MONDO:0007254. Disease mechanism: loss of function.

Allele frequency attached by ClinVar (database versions not stated): gnomAD exomes 0.00018 and 0.00022; gnomAD 0.00019 and 0.00021; TOPMed 0.00017; ESP Exome Variant Server 0.00023; ExAC 0.00029.
gnomAD v4.1: 298 of 1,614,054 alleles (0.018%); highest among the groups gnomAD compares: Non-Finnish European, 0.022%; 1 homozygote.

Submissions 1 to 6 of 35:

ClinGen Hereditary Breast, Ovarian and Pancreatic Cancer Variant Curation Expert Panel, ClinGen
Classification: Uncertain significance for ATM-related cancer predisposition. Last evaluated: 2022-03-09. Review status: reviewed by expert panel. Criteria: clingen hbop acmg specifications atm v1-1. Collection method: curation. Allele origin: germline. Inheritance: Autosomal dominant inheritance.
Comment: The ATM c.8734A>G (p.Arg2912Gly) variant is predicted deleterious by multiple protein in silico tools (PP3). This variant has been observed in a compound heterozygous state (presumed) in multiple individuals without Ataxia-Telangiectasia (BP2_Strong, GTR Lab IDs: 61756, 500031, <-4.0 POINTS). In summary, this variant meets criteria to be classified as uncertain significance based on the ACMG/AMP criteria applied as specified by the HBOP Variant Curation Expert Panel.

Hema, HEMA – Genetic and Molecular Diagnostic Laboratory
Classification: Uncertain significance for ATM-related cancer predisposition. Last evaluated: 2026-09-14. Review status: criteria provided, single submitter. Criteria: HEMA Variant Classification Assertion Criteria. Collection method: clinical testing. Allele origin: germline. Not counted in ClinVar's aggregate classification.
Comment: It is a transition from adenine to guanine, which results in the substitution of arginine 2912 of the ATM protein by glycine. PP3: The score of the computational metapredictor REVEL = 0.883 ≥ 0.733, indicating that the variant would affect the function of the ATM protein. BP2_Strong: This variant has been observed in conjunction with pathogenic or likely pathogenic variants (without determination of phase) in multiple individuals without Ataxia-Telangiectasia (ClinGen ATM Variant Curation Expert Panel - ClinVar VSCV002499283.1).

CeGaT Center for Human Genetics Tuebingen
Classification: Uncertain significance. Last evaluated: 2026-07-01. Review status: criteria provided, single submitter. Criteria: CeGaT Center For Human Genetics Tuebingen Variant Classification Criteria Version 2. Collection method: clinical testing. Allele origin: germline. Affected: yes. Observed: 4 variant alleles. Not counted in ClinVar's aggregate classification.
Comment: ATM: PM1:Supporting, PP3

PreventionGenetics, part of Exact Sciences
Classification: Uncertain significance for ATM-related condition. Last evaluated: 2026-05-14. Review status: criteria provided, single submitter. Criteria: ACMG Guidelines, 2015. Collection method: clinical testing. Allele origin: germline. Not counted in ClinVar's aggregate classification.
Comment: The ATM c.8734A>G variant is predicted to result in the amino acid substitution p.Arg2912Gly. This variant has been reported in multiple individuals with personal or family history of breast cancer (Teraoka et al. 2001. PubMed ID: 11505391; Thorstenson et al. 2003. PubMed ID: 12810666; Table S1, Goldgar et al. 2011. PubMed ID: 21787400; Table S6, Couch et al. 2015. PubMed ID: 25452441), pancreatic cancer/precancerous colonic lesions, melanoma, and chronic lymphocytic leukemia (Table S1, Hu et al. 2016. PubMed ID: 26483394; Table S6, Tiao et al. 2017. PubMed ID: 28652578, Table S2, Dalmasso et al. 2021. PubMed ID: 34262154; Nolano et al. 2023. PubMed ID: 36983044). This variant showed incomplete segregation and incomplete penetrance within families and has been detected in cancer-free individuals (Pylkäs et al. 2007. PubMed ID: 17166884; Nolano et al. 2023. PubMed ID: 36983044; Table S1, Bodian et al. 2014. PubMed ID: 24728327). An alternative pathogenic variant was also found in two families with breast and/or ovarian cancer (Thorstenson et al. 2003. PubMed ID: 12810666; Zidan et al. 2017. PubMed ID: 28828701). Functional studies suggest this variant affects protein function (Pylkäs et al. 2007. PubMed ID: 17166884; Lee et al. 2025. PubMed ID: 40580951). This variant is reported in 0.038% of alleles in individuals of European (non-Finnish) descent, including one homozygous individual, and is interpreted as uncertain by an expert group in ClinVar (Variation ID: 133641). At this time, the clinical significance of this variant is uncertain due to the absence of conclusive functional and genetic evidence.

German Consortium for Hereditary Breast and Ovarian Cancer, University Hospital Cologne
Classification: Likely benign for Hereditary breast ovarian cancer syndrome. Last evaluated: 2026-04-15. Review status: criteria provided, single submitter. Criteria: ClinGen ATM V1.5.0. Collection method: curation. Allele origin: germline. Not counted in ClinVar's aggregate classification.
Comment: This classification follows the ClinGen ACMG ATM v1.5.0 classification scheme; We chose these criteria: PP3 (supporting pathogenic): REVEL = 0.883 (thus > 0.7333), BP2 (strong benign): ClinGen Expert Panel (03/2022): This variant has been observed in a compound heterozygous state (presumed) in multiple individuals without Ataxia-Telangiectasia., BS3 (medium benign): Hanenberg 2025: neutral

Women's Health and Genetics/Laboratory Corporation of America, LabCorp
Classification: Uncertain significance. Last evaluated: 2026-03-30. Review status: criteria provided, single submitter. Criteria: LabCorp Variant Classification Summary - May 2015. Collection method: clinical testing. Allele origin: germline. Not counted in ClinVar's aggregate classification.
Comment: Variant summary: ATM c.8734A>G (p.Arg2912Gly) results in a non-conservative amino acid change in the encoded protein sequence. Algorithms developed to predict the effect of missense changes on protein structure and function all suggest that this variant is likely to be disruptive. The variant allele was found at a frequency of 0.00029 in 253178 control chromosomes in the gnomAD database, including 1 homozygotes. This frequency is not significantly higher than estimated for disease-causing variants in ATM, allowing no conclusion about variant significance. c.8734A>G has been observed in individuals affected with Breast and other cancer types (Bernstein_2003, Goldgar_2011, Pylkas_2007, Pylkas_2007, Ring_2016, Teraoka_2001, Thorstenson_2003, Thorstenson_2003, Young_2018, Zidan_2017, Rizzolo_2019, Tsaousis_2019, Jarhelle_2019, Rantapero_2020, Feliubadalo_2020, Karlsson_2021, Mikaeel_2022) as well as in an individual with immune deficiency (Grossi_2021). One of these reports demonstrated an incomplete co-segregation with disease, due to its presence in unaffected family members, as well as other affected family members who did not carry this variant (Pylkas_2007). In a large study evaluating breast cancer cases and controls in the Breast Cancer Association Consortium (BCAC), the variant was reported in 39/60466 cases and in 30/53461 controls (Dorling_2021 through LOVD). At least one publication reported experimental evidence evaluating an impact on protein function, and demonstrated a partial defect in kinase activity, but normal ATM expression and protein stability, no dominant-negative effect and no increased sensitivity to irradiation (Pylkas_2007). The following publications have been ascertained in the context of this evaluation (PMID: 12673797, 25452441, 33471991, 33280026, 21787400, 34573280, 31882575, 33436325, 34761457, 17166884, 32183364, 35365198, 27443514, 30613976, 11505391, 12810666, 31159747, 29945567, 28828701, 36155879, 36983044, 37791908, 36672364, 37262986, 40275070, 38734904, 37463056, 39122510, 38806232). ClinVar contains an entry for this variant (Variation ID: 133641). Based on the evidence outlined above, the variant was classified as uncertain significance.

NM_000051.4(ATM):c.8734A>G (p.Arg2912Gly)

Genes: ATM (ATM serine/threonine kinase; plus strand), C11orf65 (chromosome 11 open reading frame 65; minus strand). Cytogenetic location: 11q22.3.
Variant type: single nucleotide variant.
Coding change: c.8734A>G on transcript NM_000051.4 (MANE Select); coding-DNA position 8734, A replaced by G.
Protein change: p.Arg2912Gly; replaces arginine 2912 with glycine.
Molecular consequence: missense variant. On other transcripts: intron variant (2).
Genome position (GRCh38, 1-based): chr11:108,353,828, A>G. VCF-style: chr11-108353828-A-G. GRCh37 (hg19) VCF-style: chr11-108224555-A-G.
Other names: p.R2912G:AGA>GGA; NM_000051.3(ATM):c.8734A>G; p.Arg2912Gly; c.8734A>G, p.Arg2912Gly (NM_001351834.2); c.640+32092T>C (NM_001330368.2); c.695-18536T>C (NM_001351110.2); short protein forms R2912G.
Identifiers: ClinVar variation 133641 (VCV000133641.90), dbSNP rs376676328, ClinGen allele CA157198.
Genomic context (GRCh38, chr11:108,353,828, plus strand): 5'-GTTGCTTTTGAACAGGGCAAAATCCTTCCTACTCCTGAGACAGTTCCTTTTAGACTCACC[A>G]GAGATATTGTGGATGGCATGGGCATTACGGGTGTTGAAGGTGTCTTCAGAAGGTAAGTGA-3'
Protein context (NP_000042.3, residues 2902-2922): TPETVPFRLT[Arg2912Gly]DIVDGMGITG